The following is an entry in ClinVar:

ClinVar aggregate classification (germline): Uncertain significance. Review status: criteria provided, multiple submitters, no conflicts (2 of 4 stars). 2 submissions from 2 submitters: Uncertain significance (2). Last evaluated 2025-12-07.

Conditions:
Hereditary cancer-predisposing syndrome. Also called: Hereditary Cancer Syndrome; Neoplastic Syndromes, Hereditary; Tumor predisposition; Hereditary neoplastic syndrome. Identifiers: Orphanet 140162, MedGen C0027672, MeSH D009386, MONDO:0015356.
Familial cancer of breast. Also called: Hereditary breast cancer; hereditary breast carcinoma; BREAST CANCER, FAMILIAL. Identifiers: Orphanet 227535, MedGen C0346153, MONDO:0016419, OMIM 114480. Disease mechanism: loss of function.

Allele frequency attached by ClinVar (database versions not stated): gnomAD exomes below 0.00001.
gnomAD v4.1: 2 of 1,611,604 alleles (0.00012%); highest among the groups gnomAD compares: Non-Finnish European, 0.000085%; no homozygotes.

Submissions (2):

Ambry Genetics
Classification: Uncertain significance for Hereditary cancer-predisposing syndrome. Last evaluated: 2025-12-07. Review status: criteria provided, single submitter. Criteria: Ambry Variant Classification Scheme 2023. Collection method: clinical testing. Allele origin: germline.
Comment: The p.T463A variant (also known as c.1387A>G), located in coding exon 5 of the BARD1 gene, results from an A to G substitution at nucleotide position 1387. The threonine at codon 463 is replaced by alanine, an amino acid with similar properties. This amino acid position is conserved. In addition, this alteration is predicted to be deleterious by in silico analysis. Based on the available evidence, the clinical significance of this variant remains unclear.

Labcorp Genetics (formerly Invitae), Labcorp
Classification: Uncertain significance for Familial cancer of breast. Last evaluated: 2022-03-18. Review status: criteria provided, single submitter. Criteria: Invitae Variant Classification Sherloc (09022015). Collection method: clinical testing. Allele origin: germline.
Comment: This sequence change replaces threonine, which is neutral and polar, with alanine, which is neutral and non-polar, at codon 463 of the BARD1 protein (p.Thr463Ala). This variant is not present in population databases (gnomAD no frequency). This variant has not been reported in the literature in individuals affected with BARD1-related conditions. Algorithms developed to predict the effect of missense changes on protein structure and function (SIFT, PolyPhen-2, Align-GVGD) all suggest that this variant is likely to be disruptive. Algorithms developed to predict the effect of sequence changes on RNA splicing suggest that this variant may disrupt the consensus splice site. In summary, the available evidence is currently insufficient to determine the role of this variant in disease. Therefore, it has been classified as a Variant of Uncertain Significance.

NM_000465.4(BARD1):c.1387A>G (p.Thr463Ala)

Gene: BARD1 (BRCA1 associated RING domain 1; minus strand). Cytogenetic location: 2q35.
Variant type: single nucleotide variant.
Coding change: c.1387A>G on transcript NM_000465.4 (MANE Select); coding-DNA position 1387, A replaced by G.
Protein change: p.Thr463Ala; replaces threonine 463 with alanine.
Molecular consequence: missense variant. On other transcripts: non-coding transcript variant (3), intron variant (3).
Genome position (GRCh38, 1-based): chr2:214,769,240, T>C on the plus strand (A>G on the coding strand, the complement: BARD1 is on the minus strand). VCF-style: chr2-214769240-T-C. GRCh37 (hg19) VCF-style: chr2-215633964-T-C.
Other names: c.1330A>G, p.Thr444Ala (NM_001282543.2); c.159-16685A>G (NM_001282548.2); c.216-16685A>G (NM_001282545.2); c.364+23057A>G (NM_001282549.2); c.1387A>G (NM_000465.2); short protein forms T444A, T463A.
Identifiers: ClinVar variation 2181258 (VCV002181258.5), dbSNP rs2469454024, ClinGen allele CA350450099.